The following is an entry in ClinVar:

NM_000069.3(CACNA1S):c.2512G>A (p.Gly838Arg)

Gene: CACNA1S (calcium voltage-gated channel subunit alpha1 S; minus strand). Cytogenetic location: 1q32.1.
Variant type: single nucleotide variant.
Coding change: c.2512G>A on transcript NM_000069.3 (MANE Select); coding-DNA position 2512, G replaced by A.
Protein change: p.Gly838Arg; replaces glycine 838 with arginine.
Molecular consequence: missense variant.
Genome position (GRCh38, 1-based): chr1:201,069,175, C>T on the plus strand (G>A on the coding strand, the complement: CACNA1S is on the minus strand). VCF-style: chr1-201069175-C-T. GRCh37 (hg19) VCF-style: chr1-201038303-C-T.
Other names: short protein forms G838R.
Identifiers: ClinVar variation 998424 (VCV000998424.12), dbSNP rs1356510559, ClinGen allele CA344105966.
Genomic context (GRCh38, chr1:201,069,175, plus strand): 5'-CTGCCCCACAGCCTTCACTCACCTTGAGGACAATCTCCACAGTGAAGACAGAGGTGAACC[C>T]GATGTCAAAGTGTTTAAGGATCTGGGGACAGGGCAGGGGCGGGAGCAGCCAGTGAGAGGA-3'
Protein context (NP_000060.2, residues 828-848): RNQILKHFDI[Gly838Arg]FTSVFTVEIV

ClinVar aggregate classification (germline): Conflicting classifications of pathogenicity. Review status: criteria provided, conflicting classifications (1 of 4 stars). 3 submissions from 3 submitters: Uncertain significance (2); Likely benign (1). Last evaluated 2024-08-21.

Conditions:
Hypokalemic periodic paralysis, type 1. Also called: Hypokalemic Periodic Paralysis Type 1 (AD); HypoPP. Identifiers: Orphanet 681, MedGen C3714580, MONDO:0042979, OMIM 170400.
Malignant hyperthermia, susceptibility to, 5 (MHS5). Also called: CACNA1S-Related Malignant Hyperthermia Susceptibility. Identifiers: Orphanet 423, MedGen C1866077, MONDO:0011163, OMIM 601887.

Allele frequency attached by ClinVar (database versions not stated): gnomAD 0.00001; TOPMed 0.00004.
gnomAD v4.1: 15 of 1,613,966 alleles (0.00093%); highest among the groups gnomAD compares: African/African-American, 0.0027%; no homozygotes.

Submissions (3):

Labcorp Genetics (formerly Invitae), Labcorp
Classification: Likely benign for Hypokalemic periodic paralysis, type 1; Malignant hyperthermia, susceptibility to, 5. Last evaluated: 2024-08-21. Review status: criteria provided, single submitter. Criteria: Invitae Variant Classification Sherloc (09022015). Collection method: clinical testing. Allele origin: germline.

All of Us Research Program, National Institutes of Health
Classification: Uncertain significance for Malignant hyperthermia, susceptibility to, 5. Last evaluated: 2023-09-05. Review status: criteria provided, single submitter. Criteria: ACMG Guidelines, 2015. Collection method: clinical testing. Allele origin: germline. Inheritance: Autosomal dominant inheritance. Observed: 2 variant alleles, 2 heterozygotes.
Comment: This study involves interpretation of variants in research participants for the purpose of population health screening. Participant phenotype was not available at the time of variant classification. Additional details can be found in publication PMID: 35346344, PMCID: PMC8962531

Color Diagnostics, LLC DBA Color Health
Classification: Uncertain significance for Malignant hyperthermia, susceptibility to, 5. Last evaluated: 2023-06-26. Review status: criteria provided, single submitter. Criteria: ACMG Guidelines, 2015. Collection method: clinical testing. Allele origin: germline.
Comment: This missense variant replaces glycine with arginine at codon 838 of the CACNA1S protein. Computational prediction is inconclusive regarding the impact of this variant on protein structure and function (internally defined REVEL score threshold 0.5 < inconclusive < 0.7, PMID: 27666373). To our knowledge, functional studies have not been reported for this variant. This variant has not been reported in individuals affected with CACNA1S-related disorders in the literature. This variant has been identified in 2/282852 chromosomes in the general population by the Genome Aggregation Database (gnomAD). The available evidence is insufficient to determine the role of this variant in disease conclusively. Therefore, this variant is classified as a Variant of Uncertain Significance.